The following is an entry in ClinVar:

ClinVar aggregate classification (germline): Uncertain significance (1 of 4 stars; one submission).

gnomAD v4.1: 5 of 1,614,016 alleles (0.00031%); highest among the groups gnomAD compares: Non-Finnish European, 0.00042%; no homozygotes.

Submission:

Labcorp Genetics (formerly Invitae), Labcorp
Classification: Uncertain significance. Last evaluated: 2024-11-29. Review status: criteria provided, single submitter. Criteria: Invitae Variant Classification Sherloc (09022015). Collection method: clinical testing. Allele origin: germline.
Comment: This sequence change replaces arginine, which is basic and polar, with tryptophan, which is neutral and slightly polar, at codon 619 of the NCSTN protein (p.Arg619Trp). This variant is present in population databases (rs200495004, gnomAD 0.0009%). This variant has not been reported in the literature in individuals affected with NCSTN-related conditions. Invitae Evidence Modeling of protein sequence and biophysical properties (such as structural, functional, and spatial information, amino acid conservation, physicochemical variation, residue mobility, and thermodynamic stability) indicates that this missense variant is not expected to disrupt NCSTN protein function with a negative predictive value of 80%. In summary, the available evidence is currently insufficient to determine the role of this variant in disease. Therefore, it has been classified as a Variant of Uncertain Significance.

NM_015331.3(NCSTN):c.1855C>T (p.Arg619Trp)

Gene: NCSTN (nicastrin; plus strand). Cytogenetic location: 1q23.2.
Variant type: single nucleotide variant.
Coding change: c.1855C>T on transcript NM_015331.3 (MANE Select); coding-DNA position 1855, C replaced by T.
Protein change: p.Arg619Trp; replaces arginine 619 with tryptophan.
Molecular consequence: missense variant. On other transcripts: intron variant (1).
Genome position (GRCh38, 1-based): chr1:160,357,101, C>T. VCF-style: chr1-160357101-C-T. GRCh37 (hg19) VCF-style: chr1-160326891-C-T.
Other names: c.1795C>T, p.Arg599Trp (NM_001290184.2); c.1441C>T, p.Arg481Trp (NM_001290186.2); c.1794+347C>T (NM_001349729.2); short protein forms R599W, R619W, R481W.
Identifiers: ClinVar variation 3687275 (VCV003687275.2).